The following is an entry in ClinVar:

NM_031935.3(HMCN1):c.5755C>T (p.Pro1919Ser)

Gene: HMCN1 (hemicentin 1; plus strand). Cytogenetic location: 1q31.1.
Variant type: single nucleotide variant.
Coding change: c.5755C>T on transcript NM_031935.3 (MANE Select); coding-DNA position 5755, C replaced by T.
Protein change: p.Pro1919Ser; replaces proline 1919 with serine.
Molecular consequence: missense variant.
Genome position (GRCh38, 1-based): chr1:186,037,939, C>T. VCF-style: chr1-186037939-C-T. GRCh37 (hg19) VCF-style: chr1-186007071-C-T.
Other names: short protein forms P1919S.
Identifiers: ClinVar variation 1901387 (VCV001901387.5), dbSNP rs771339230, ClinGen allele CA1292371.

ClinVar aggregate classification (germline): Uncertain significance (1 of 4 stars; one submission).

Allele frequency attached by ClinVar (database versions not stated): gnomAD exomes below 0.00001; gnomAD 0.00001; TOPMed 0.00001; ExAC 0.00002.
gnomAD v4.1: 5 of 1,600,198 alleles (0.00031%); highest among the groups gnomAD compares: Middle Eastern, 0.017%; no homozygotes.

Submission:

Labcorp Genetics (formerly Invitae), Labcorp
Classification: Uncertain significance. Last evaluated: 2022-01-27. Review status: criteria provided, single submitter. Criteria: Invitae Variant Classification Sherloc (09022015). Collection method: clinical testing. Allele origin: germline.
Comment: This sequence change replaces proline, which is neutral and non-polar, with serine, which is neutral and polar, at codon 1919 of the HMCN1 protein (p.Pro1919Ser). This variant is present in population databases (rs771339230, gnomAD 0.006%). This variant has not been reported in the literature in individuals affected with HMCN1-related conditions. Algorithms developed to predict the effect of missense changes on protein structure and function are either unavailable or do not agree on the potential impact of this missense change (SIFT: "Deleterious"; PolyPhen-2: "Probably Damaging"; Align-GVGD: "Class C0"). In summary, the available evidence is currently insufficient to determine the role of this variant in disease. Therefore, it has been classified as a Variant of Uncertain Significance.